The following is an entry in ClinVar:

ClinVar aggregate classification (germline): Likely benign. Review status: criteria provided, multiple submitters, no conflicts (2 of 4 stars). 2 submissions from 2 submitters: Likely benign (2). Last evaluated 2023-11-01.

Conditions:
Primary ciliary dyskinesia. Also called: Ciliary dyskinesia. Identifiers: Orphanet 244, MedGen C0008780, MONDO:0016575, HP:0012265.

Allele frequency attached by ClinVar (database versions not stated): TOPMed below 0.00001.
gnomAD v4.1: 5 of 1,521,278 alleles (0.00033%); highest among the groups gnomAD compares: Non-Finnish European, 0.00044%; no homozygotes.

Submissions (2):

CeGaT Center for Human Genetics Tuebingen
Classification: Likely benign. Last evaluated: 2023-11-01. Review status: criteria provided, single submitter. Criteria: CeGaT Center For Human Genetics Tuebingen Variant Classification Criteria Version 2. Collection method: clinical testing. Allele origin: germline. Affected: yes. Observed: 1 variant allele.
Comment: DNAAF3: BP4, BP7

Labcorp Genetics (formerly Invitae), Labcorp
Classification: Likely benign for Primary ciliary dyskinesia. Last evaluated: 2022-04-19. Review status: criteria provided, single submitter. Criteria: Invitae Variant Classification Sherloc (09022015). Collection method: clinical testing. Allele origin: germline.

NM_001256715.2(DNAAF3):c.708A>G (p.Thr236=)

Genes: DNAAF3-AS1 (DNAAF3 antisense RNA 1; plus strand), DNAAF3 (dynein axonemal assembly factor 3; minus strand). Cytogenetic location: 19q13.42.
Variant type: single nucleotide variant.
Coding change: c.708A>G on transcript NM_001256715.2 (MANE Select); coding-DNA position 708, A replaced by G.
Protein change: p.Thr236=; no amino-acid change (threonine 236 retained).
Molecular consequence: synonymous variant.
Genome position (GRCh38, 1-based): chr19:55,161,374, T>C on the plus strand (A>G on the coding strand, the complement: DNAAF3 is on the minus strand). VCF-style: chr19-55161374-T-C. GRCh37 (hg19) VCF-style: chr19-55672742-T-C.
Other names: c.912A>G, p.Thr304= (NM_001256714.1); c.546A>G, p.Thr182= (NM_001256716.2); c.849A>G, p.Thr283= (NM_178837.4).
Identifiers: ClinVar variation 1651691 (VCV001651691.31), dbSNP rs1253487279, ClinGen allele CA508991919.